The following is an entry in ClinVar:

NM_001211.6(BUB1B):c.1664G>C (p.Arg555Pro)

Gene: BUB1B (BUB1 mitotic checkpoint serine/threonine kinase B; plus strand). Cytogenetic location: 15q15.1.
Variant type: single nucleotide variant.
Coding change: c.1664G>C on transcript NM_001211.6 (MANE Select); coding-DNA position 1664, G replaced by C.
Protein change: p.Arg555Pro; replaces arginine 555 with proline.
Molecular consequence: missense variant.
Genome position (GRCh38, 1-based): chr15:40,202,624, G>C. VCF-style: chr15-40202624-G-C. GRCh37 (hg19) VCF-style: chr15-40494825-G-C.
Other names: short protein forms R555P.
Identifiers: ClinVar variation 1931482 (VCV001931482.6), dbSNP rs2037587746, ClinGen allele CA391691603.

ClinVar aggregate classification (germline): Uncertain significance. Review status: criteria provided, multiple submitters, no conflicts (2 of 4 stars). 2 submissions from 2 submitters: Uncertain significance (2). Last evaluated 2023-06-01.

Conditions:
Mosaic variegated aneuploidy syndrome 1 (MVA1). Also called: Warburton-Anyane-Yeboa syndrome. Identifiers: Orphanet 1052, MedGen C1850343, MONDO:0009759, OMIM 257300.
Inborn genetic diseases. Identifiers: MedGen C0950123, MeSH D030342.

Submissions (2):

Ambry Genetics
Classification: Uncertain significance for Inborn genetic diseases. Last evaluated: 2023-06-01. Review status: criteria provided, single submitter. Criteria: Ambry Variant Classification Scheme 2023. Collection method: clinical testing. Allele origin: germline.
Comment: The p.R555P variant (also known as c.1664G>C), located in coding exon 14 of the BUB1B gene, results from a G to C substitution at nucleotide position 1664. The arginine at codon 555 is replaced by proline, an amino acid with dissimilar properties. This amino acid position is conserved. In addition, this alteration is predicted to be tolerated by in silico analysis. Since supporting evidence is limited at this time, the clinical significance of this alteration remains unclear.

Labcorp Genetics (formerly Invitae), Labcorp
Classification: Uncertain significance for Mosaic variegated aneuploidy syndrome 1. Last evaluated: 2022-05-19. Review status: criteria provided, single submitter. Criteria: Invitae Variant Classification Sherloc (09022015). Collection method: clinical testing. Allele origin: germline.
Comment: This variant has not been reported in the literature in individuals affected with BUB1B-related conditions. This variant is not present in population databases (gnomAD no frequency). This sequence change replaces arginine, which is basic and polar, with proline, which is neutral and non-polar, at codon 555 of the BUB1B protein (p.Arg555Pro). In summary, the available evidence is currently insufficient to determine the role of this variant in disease. Therefore, it has been classified as a Variant of Uncertain Significance. Algorithms developed to predict the effect of missense changes on protein structure and function (SIFT, PolyPhen-2, Align-GVGD) all suggest that this variant is likely to be tolerated.